The following is an entry in ClinVar:

ClinVar aggregate classification (germline): Uncertain significance (1 of 4 stars; one submission).

Conditions:
RASopathy. Also called: rasopathies; Noonan spectrum disorder. Identifiers: Orphanet 536391, MedGen C5555857, MONDO:0021060.

gnomAD v4.1: 1 of 1,614,084 alleles (0.000062%); highest among the groups gnomAD compares: East Asian, 0.0022%; no homozygotes.

Submission:

Labcorp Genetics (formerly Invitae), Labcorp
Classification: Uncertain significance for RASopathy. Last evaluated: 2025-03-23. Review status: criteria provided, single submitter. Criteria: Invitae Variant Classification Sherloc (09022015). Collection method: clinical testing. Allele origin: germline.
Comment: This sequence change replaces asparagine, which is neutral and polar, with aspartic acid, which is acidic and polar, at codon 167 of the SHOC2 protein (p.Asn167Asp). This variant is present in population databases (no rsID available, gnomAD 0.006%). This variant has not been reported in the literature in individuals affected with SHOC2-related conditions. Invitae Evidence Modeling of protein sequence and biophysical properties (such as structural, functional, and spatial information, amino acid conservation, physicochemical variation, residue mobility, and thermodynamic stability) indicates that this missense variant is not expected to disrupt SHOC2 protein function with a negative predictive value of 80%. In summary, the available evidence is currently insufficient to determine the role of this variant in disease. Therefore, it has been classified as a Variant of Uncertain Significance.

NM_007373.4(SHOC2):c.499A>G (p.Asn167Asp)

Gene: SHOC2 (SHOC2 leucine rich repeat scaffold protein; plus strand). Cytogenetic location: 10q25.2.
Variant type: single nucleotide variant.
Coding change: c.499A>G on transcript NM_007373.4 (MANE Select); coding-DNA position 499, A replaced by G.
Protein change: p.Asn167Asp; replaces asparagine 167 with aspartic acid.
Molecular consequence: missense variant. On other transcripts: 5 prime UTR variant (1), non-coding transcript variant (1), intron variant (3).
Genome position (GRCh38, 1-based): chr10:110,964,857, A>G. VCF-style: chr10-110964857-A-G. GRCh37 (hg19) VCF-style: chr10-112724615-A-G.
Other names: c.499A>G, p.Asn167Asp (NM_001269039.3, NM_001324336.2, NM_001324337.2 and 4 more transcripts); c.-288A>G (NM_001441188.1); c.-380-20771A>G (NM_001441190.1); c.-249-20771A>G (NM_001441191.1); c.-242-35558A>G (NM_001441189.1); short protein forms N167D.
Identifiers: ClinVar variation 4797170 (VCV004797170.1).